The following is an entry in ClinVar:

ClinVar aggregate classification (germline): Uncertain significance (1 of 4 stars; one submission).

Submission:

Labcorp Genetics (formerly Invitae), Labcorp
Classification: Uncertain significance. Last evaluated: 2024-12-09. Review status: criteria provided, single submitter. Criteria: Invitae Variant Classification Sherloc (09022015). Collection method: clinical testing. Allele origin: germline.
Comment: This sequence change replaces arginine, which is basic and polar, with serine, which is neutral and polar, at codon 185 of the KERA protein (p.Arg185Ser). This variant is not present in population databases (gnomAD no frequency). This variant has not been reported in the literature in individuals affected with KERA-related conditions. An algorithm developed to predict the effect of missense changes on protein structure and function (PolyPhen-2) suggests that this variant is likely to be tolerated. In summary, the available evidence is currently insufficient to determine the role of this variant in disease. Therefore, it has been classified as a Variant of Uncertain Significance.

NM_007035.4(KERA):c.555A>T (p.Arg185Ser)

Gene: KERA (keratocan; minus strand). Cytogenetic location: 12q21.33.
Variant type: single nucleotide variant.
Coding change: c.555A>T on transcript NM_007035.4 (MANE Select); coding-DNA position 555, A replaced by T.
Protein change: p.Arg185Ser; replaces arginine 185 with serine.
Molecular consequence: missense variant.
Genome position (GRCh38, 1-based): chr12:91,055,727, T>A on the plus strand (A>T on the coding strand, the complement: KERA is on the minus strand). VCF-style: chr12-91055727-T-A. GRCh37 (hg19) VCF-style: chr12-91449504-T-A.
Other names: short protein forms R185S.
Identifiers: ClinVar variation 3623389 (VCV003623389.2).